The following is an entry in ClinVar:

NM_004092.4(ECHS1):c.23T>C (p.Leu8Pro)

Genes: ECHS1 (enoyl-CoA hydratase, short chain 1; minus strand), LOC130005023 (ATAC-STARR-seq lymphoblastoid silent region 2977; plus strand). Cytogenetic location: 10q26.3.
Variant type: single nucleotide variant.
Coding change: c.23T>C on transcript NM_004092.4 (MANE Select); coding-DNA position 23, T replaced by C.
Protein change: p.Leu8Pro; replaces leucine 8 with proline.
Molecular consequence: missense variant.
Genome position (GRCh38, 1-based): chr10:133,373,311, A>G on the plus strand (T>C on the coding strand, the complement: ECHS1 is on the minus strand). VCF-style: chr10-133373311-A-G. GRCh37 (hg19) VCF-style: chr10-135186815-A-G.
Other names: short protein forms L8P.
Identifiers: ClinVar variation 1320265 (VCV001320265.5), dbSNP rs775833766, ClinGen allele CA5765916.

ClinVar aggregate classification (germline): Conflicting classifications of pathogenicity. Review status: criteria provided, conflicting classifications (1 of 4 stars). 3 submissions from 3 submitters: Pathogenic (1); Uncertain significance (1). 1 of the submissions does not count toward it. Last evaluated 2023-06-06.

Conditions:
Mitochondrial short-chain Enoyl-Coa hydratase 1 deficiency. Also called: Mitochondrial Short-Chain Enoyl-CoA Hydratase Deficiency; ECHS1 deficiency; PxMD-ECHS1. Identifiers: Orphanet 255241, Orphanet 653880, MedGen C4225391, MONDO:0014563, OMIM 616277.
ECHS1-related disorder. Also called: ECHS1-related condition.

Allele frequency attached by ClinVar (database versions not stated): TOPMed below 0.00001.
gnomAD v4.1: 4 of 1,503,492 alleles (0.00027%); highest among the groups gnomAD compares: East Asian, 0.011%; no homozygotes.

Submissions (3):

Labcorp Genetics (formerly Invitae), Labcorp
Classification: Pathogenic. Last evaluated: 2023-06-06. Review status: criteria provided, single submitter. Criteria: Invitae Variant Classification Sherloc (09022015). Collection method: clinical testing. Allele origin: germline.
Comment: For these reasons, this variant has been classified as Pathogenic. An algorithm developed to predict the effect of missense changes on protein structure and function (PolyPhen-2) suggests that this variant is likely to be tolerated. ClinVar contains an entry for this variant (Variation ID: 1320265). This missense change has been observed in individual(s) with clinical features of ECHS1-related condition or Leigh syndrome (PMID: 31016024, 32901917, 35094435). In at least one individual the data is consistent with being in trans (on the opposite chromosome) from a pathogenic variant. This variant is not present in population databases (gnomAD no frequency). This sequence change replaces leucine, which is neutral and non-polar, with proline, which is neutral and non-polar, at codon 8 of the ECHS1 protein (p.Leu8Pro).

3billion
Classification: Uncertain significance for Mitochondrial short-chain Enoyl-Coa hydratase 1 deficiency. Last evaluated: 2021-10-02. Review status: criteria provided, single submitter. Criteria: ACMG Guidelines, 2015. Collection method: clinical testing. Allele origin: paternal. Affected: yes. Observed: 1 heterozygote.
Comment: It is not observed in the gnomAD v2.1.1 dataset (PM2). The variant was observed in trans with a pathogenic variant (NM_004092.3:c.176A>G) as compound heterozygous (3billion dataset, PM3). Patient's phenotype is considered compatible with Mitochondrial Short-Chain Enoyl-CoA Hydratase Deficiency (3billion dataset, PP4). Therefore, this variant is classified as uncertain significance according to the recommendation of ACMG/AMP guideline.

PreventionGenetics, part of Exact Sciences
Classification: Likely pathogenic for ECHS1-related condition. Last evaluated: 2024-07-08. Review status: no assertion criteria provided. Collection method: clinical testing. Allele origin: germline. Not counted in ClinVar's aggregate classification.
Comment: The ECHS1 c.23T>C variant is predicted to result in the amino acid substitution p.Leu8Pro. This variant was reported, along with a second causative variant in the same gene, in several individuals with suspected Leigh syndrome (Uchino et al. 2019. PubMed ID: 31016024; supplementary data, Ogawa et al. 2020. PubMed ID: 31967322; Table S2, described as B:10:135186815:T:C:hg19, Stenton et al. 2022. PubMed ID: 35094435). In vitro functional studies indicate that the p.Leu8Pro change may result in impaired protein maturation, but the functional impact was suggested to be mild by authors (Kishita et al. 2023. PubMed ID: 37055166). This variant has not been reported in a large population database, indicating this variant is rare. Taken together, we classify this variant as likely pathogenic.

Literature cited by the submitters: PubMed 31016024 (cited by Labcorp Genetics (formerly Invitae), Labcorp); PubMed 32901917 (cited by Labcorp Genetics (formerly Invitae), Labcorp); PubMed 35094435 (cited by Labcorp Genetics (formerly Invitae), Labcorp).